The following is an entry in ClinVar:

NM_004211.5(SLC6A5):c.440C>A (p.Pro147His)

Gene: SLC6A5 (solute carrier family 6 member 5; plus strand). Cytogenetic location: 11p15.1.
Variant type: single nucleotide variant.
Coding change: c.440C>A on transcript NM_004211.5 (MANE Select); coding-DNA position 440, C replaced by A.
Protein change: p.Pro147His; replaces proline 147 with histidine.
Molecular consequence: missense variant. On other transcripts: 5 prime UTR variant (1).
Genome position (GRCh38, 1-based): chr11:20,601,565, C>A. VCF-style: chr11-20601565-C-A. GRCh37 (hg19) VCF-style: chr11-20623111-C-A.
Other names: c.-124C>A (NM_001318369.2); short protein forms P147H.
Identifiers: ClinVar variation 2083958 (VCV002083958.4), dbSNP rs141037254, ClinGen allele CA379912201.

ClinVar aggregate classification (germline): Uncertain significance (1 of 4 stars; one submission).

Conditions:
Hyperekplexia 3 (HKPX3). Also called: HYPEREKPLEXIA 3, AUTOSOMAL RECESSIVE; HYPEREKPLEXIA 3, AUTOSOMAL DOMINANT. Identifiers: Orphanet 3197, MedGen C3553288, MONDO:0013827, OMIM 614618.

Submission:

Labcorp Genetics (formerly Invitae), Labcorp
Classification: Uncertain significance for Hyperekplexia 3. Last evaluated: 2022-07-09. Review status: criteria provided, single submitter. Criteria: Invitae Variant Classification Sherloc (09022015). Collection method: clinical testing. Allele origin: germline.
Comment: In summary, the available evidence is currently insufficient to determine the role of this variant in disease. Therefore, it has been classified as a Variant of Uncertain Significance. Advanced modeling of protein sequence and biophysical properties (such as structural, functional, and spatial information, amino acid conservation, physicochemical variation, residue mobility, and thermodynamic stability) performed at Invitae indicates that this missense variant is not expected to disrupt SLC6A5 protein function. This variant has not been reported in the literature in individuals affected with SLC6A5-related conditions. This variant is not present in population databases (gnomAD no frequency). This sequence change replaces proline, which is neutral and non-polar, with histidine, which is basic and polar, at codon 147 of the SLC6A5 protein (p.Pro147His).